The following is an entry in ClinVar:

ClinVar aggregate classification (germline): Benign. Review status: criteria provided, multiple submitters, no conflicts (2 of 4 stars). 3 submissions from 3 submitters: Benign (2). 1 of the submissions does not count toward it. Last evaluated 2019-12-31.

Conditions:
SEMA3C-related disorder. Also called: SEMA3C-related condition.

Allele frequency attached by ClinVar (database versions not stated): gnomAD exomes 0.00020 and 0.00049; ExAC 0.00055; 1000 Genomes Project 30x 0.00109; 1000 Genomes Project 0.00120; gnomAD 0.00196 and 0.00206; ESP Exome Variant Server 0.00208; TOPMed 0.00213.
gnomAD v4.1: 610 of 1,613,222 alleles (0.038%); highest among the groups gnomAD compares: African/African-American, 0.64%; 4 homozygotes.

Submissions (3):

Labcorp Genetics (formerly Invitae), Labcorp
Classification: Benign. Last evaluated: 2019-12-31. Review status: criteria provided, single submitter. Criteria: Invitae Variant Classification Sherloc (09022015). Collection method: clinical testing. Allele origin: germline.

Breakthrough Genomics
Classification: Benign. Review status: criteria provided, single submitter. Criteria: ACMG Guidelines, 2015. Collection method: not provided. Allele origin: germline. Inheritance: Unknown mechanism. Affected: yes.

PreventionGenetics, part of Exact Sciences
Classification: Likely benign for SEMA3C-related condition. Last evaluated: 2021-05-19. Review status: no assertion criteria provided. Collection method: clinical testing. Allele origin: germline. Not counted in ClinVar's aggregate classification.
Comment: This variant is classified as likely benign based on ACMG/AMP sequence variant interpretation guidelines (Richards et al. 2015 PMID: 25741868, with internal and published modifications).

NM_006379.5(SEMA3C):c.1791G>A (p.Pro597=)

Gene: SEMA3C (semaphorin 3C; minus strand). Cytogenetic location: 7q21.11.
Variant type: single nucleotide variant.
Coding change: c.1791G>A on transcript NM_006379.5 (MANE Select); coding-DNA position 1791, G replaced by A.
Protein change: p.Pro597=; no amino-acid change (proline 597 retained).
Molecular consequence: synonymous variant.
Genome position (GRCh38, 1-based): chr7:80,748,949, C>T on the plus strand (G>A on the coding strand, the complement: SEMA3C is on the minus strand). VCF-style: chr7-80748949-C-T. GRCh37 (hg19) VCF-style: chr7-80378265-C-T.
Other names: c.1845G>A, p.Pro615= (NM_001350120.2); c.1617G>A, p.Pro539= (NM_001350121.2); c.1845G>A (NM_001350120.1).
Identifiers: ClinVar variation 733120 (VCV000733120.7), dbSNP rs143540435, ClinGen allele CA4315984.